The following is an entry in ClinVar:

ClinVar aggregate classification (germline): Pathogenic (1 of 4 stars; one submission).

Conditions:
Glycogen storage disease type III (GSD3). Also called: FORBES DISEASE; Cori disease. Identifiers: Orphanet 366, MedGen C0017922, MONDO:0009291, OMIM 232400.

Submission:

3billion
Classification: Pathogenic for Glycogen storage disease type III. Last evaluated: 2025-03-18. Review status: criteria provided, single submitter. Criteria: ACMG Guidelines, 2015. Collection method: clinical testing. Allele origin: germline. Affected: yes.
Comment: The variant is not observed in the gnomAD v4.1.0 dataset. Predicted Consequence/Location: Frameshift: predicted to result in a loss or disruption of normal protein function through nonsense-mediated decay (NMD) or protein truncation. Multiple pathogenic variants are reported downstream of the variant. The variant was homozygous. Therefore, this variant is classified as Pathogenic according to the recommendation of ACMG/AMP guideline.

NM_000642.3(AGL):c.888_889dup (p.Lys297fs)

Gene: AGL (amylo-alpha-1,6-glucosidase and 4-alpha-glucanotransferase; plus strand). Cytogenetic location: 1p21.2.
Variant type: Duplication.
Coding change: c.888_889dup on transcript NM_000642.3 (MANE Select); coding-DNA positions 888 to 889, 2 bases duplicated (TA; older notation c.888_889dupTA).
Protein change: p.Lys297fs; shifts the reading frame from lysine 297.
Molecular consequence: frameshift variant.
Genome position (GRCh38, 1-based): chr1:99,870,799-99,870,800, TA duplicated. VCF-style (leftmost placement, unchanged base first): chr1-99870798-T-TTA. GRCh37 (hg19) VCF-style: chr1-100336354-T-TTA.
Other names: c.888_889dup, p.Lys297fs (NM_001425327.1, NM_000028.3, NM_000643.3 and 3 more transcripts); c.684_685dup, p.Lys229fs (NM_001425328.1, NM_001425329.1); c.510_511dup, p.Lys171fs (NM_001425332.1); c.840_841dup, p.Lys281fs (NM_000646.3); short protein forms K171fs, K229fs, K281fs, K297fs.
Identifiers: ClinVar variation 4292583 (VCV004292583.1).